The following is an entry in ClinVar:

NM_032340.4(UQCC2):c.214-9G>A

Gene: UQCC2 (ubiquinol-cytochrome c reductase complex assembly factor 2; minus strand). Cytogenetic location: 6p21.31.
Variant type: single nucleotide variant.
Coding change: c.214-9G>A on transcript NM_032340.4 (MANE Select); 9 bases into the intron before coding-DNA position 214, G replaced by A.
Molecular consequence: intron variant.
Genome position (GRCh38, 1-based): chr6:33,700,522, C>T on the plus strand (G>A on the coding strand, the complement: UQCC2 is on the minus strand). VCF-style: chr6-33700522-C-T. GRCh37 (hg19) VCF-style: chr6-33668299-C-T.
Identifiers: ClinVar variation 3593503 (VCV003593503.2).

ClinVar aggregate classification (germline): Uncertain significance. Review status: criteria provided, multiple submitters, no conflicts (2 of 4 stars). 2 submissions from 2 submitters: Uncertain significance (2). Last evaluated 2025-03-26.

Conditions:
Mitochondrial complex III deficiency nuclear type 7. Identifiers: MedGen C4014408, MONDO:0014356, OMIM 615824.

gnomAD v4.1: 90 of 1,613,832 alleles (0.0056%); highest among the groups gnomAD compares: Non-Finnish European, 0.0074%; no homozygotes.

Submissions (2):

GeneDx
Classification: Uncertain significance. Last evaluated: 2025-03-26. Review status: criteria provided, single submitter. Criteria: GeneDx Variant Classification Process June 2021. Collection method: clinical testing. Allele origin: germline. Affected: yes.
Comment: Not observed at significant frequency in large population cohorts (gnomAD); In silico analysis supports a deleterious effect on splicing; Has not been previously published as pathogenic or benign to our knowledge

Fulgent Genetics
Classification: Uncertain significance for Mitochondrial complex III deficiency nuclear type 7. Last evaluated: 2024-03-01. Review status: criteria provided, single submitter. Criteria: ACMG Guidelines, 2015. Collection method: clinical testing. Allele origin: germline.